The following is an entry in ClinVar:

ClinVar aggregate classification (germline): Uncertain significance (1 of 4 stars; one submission).

Allele frequency attached by ClinVar (database versions not stated): gnomAD exomes below 0.00001; ExAC 0.00007.

Submission:

Labcorp Genetics (formerly Invitae), Labcorp
Classification: Uncertain significance. Last evaluated: 2023-11-10. Review status: criteria provided, single submitter. Criteria: Invitae Variant Classification Sherloc (09022015). Collection method: clinical testing. Allele origin: germline.
Comment: This sequence change affects codon 294 of the MAGEL2 mRNA. It is a 'silent' change, meaning that it does not change the encoded amino acid sequence of the MAGEL2 protein. This variant is present in population databases (rs777374191, gnomAD 0.004%). This variant has not been reported in the literature in individuals affected with MAGEL2-related conditions. In summary, the available evidence is currently insufficient to determine the role of this variant in disease. Therefore, it has been classified as a Variant of Uncertain Significance.

NM_019066.5(MAGEL2):c.882G>A (p.Ala294=)

Gene: MAGEL2 (MAGE family member L2; minus strand). Cytogenetic location: 15q11.2.
Variant type: single nucleotide variant.
Coding change: c.882G>A on transcript NM_019066.5 (MANE Select); coding-DNA position 882, G replaced by A.
Protein change: p.Ala294=; no amino-acid change (alanine 294 retained).
Molecular consequence: synonymous variant.
Genome position (GRCh38, 1-based): chr15:23,646,861, C>T on the plus strand (G>A on the coding strand, the complement: MAGEL2 is on the minus strand). VCF-style: chr15-23646861-C-T. GRCh37 (hg19) VCF-style: chr15-23892008-C-T.
Identifiers: ClinVar variation 2906076 (VCV002906076.3), dbSNP rs777374191, ClinGen allele CA7430071.